The following is an entry in ClinVar:

ClinVar aggregate classification (germline): Uncertain significance. Review status: criteria provided, multiple submitters, no conflicts (2 of 4 stars). 2 submissions from 2 submitters: Uncertain significance (2). Last evaluated 2025-03-04.

Conditions:
POLD1-related polyposis and colorectal cancer syndrome (CRCS10). Also called: Colorectal cancer 10; COLORECTAL CANCER, SUSCEPTIBILITY TO, ON CHROMOSOME 19q; Colorectal cancer, susceptibility to, 10. Identifiers: Orphanet 220460, MedGen C2675481, MONDO:0012953, OMIM 612591.

Submissions (2):

Center for Genomic Medicine, Rigshospitalet, Copenhagen University Hospital
Classification: Uncertain significance. Last evaluated: 2025-03-04. Review status: criteria provided, single submitter. Criteria: ACMG Guidelines, 2015. Collection method: clinical testing. Allele origin: germline.

Labcorp Genetics (formerly Invitae), Labcorp
Classification: Uncertain significance for POLD1-related polyposis and colorectal cancer syndrome. Last evaluated: 2023-04-22. Review status: criteria provided, single submitter. Criteria: Invitae Variant Classification Sherloc (09022015). Collection method: clinical testing. Allele origin: germline.
Comment: In summary, the available evidence is currently insufficient to determine the role of this variant in disease. Therefore, it has been classified as a Variant of Uncertain Significance. Advanced modeling of protein sequence and biophysical properties (such as structural, functional, and spatial information, amino acid conservation, physicochemical variation, residue mobility, and thermodynamic stability) performed at Invitae indicates that this missense variant is not expected to disrupt POLD1 protein function. This variant has not been reported in the literature in individuals affected with POLD1-related conditions. This variant is not present in population databases (gnomAD no frequency). This sequence change replaces alanine, which is neutral and non-polar, with valine, which is neutral and non-polar, at codon 831 of the POLD1 protein (p.Ala831Val).

NM_002691.4(POLD1):c.2492C>T (p.Ala831Val)

Gene: POLD1 (DNA polymerase delta 1, catalytic subunit; plus strand). Cytogenetic location: 19q13.33.
Variant type: single nucleotide variant.
Coding change: c.2492C>T on transcript NM_002691.4 (MANE Select); coding-DNA position 2492, C replaced by T.
Protein change: p.Ala831Val; replaces alanine 831 with valine.
Molecular consequence: missense variant. On other transcripts: non-coding transcript variant (1).
Genome position (GRCh38, 1-based): chr19:50,414,918, C>T. VCF-style: chr19-50414918-C-T. GRCh37 (hg19) VCF-style: chr19-50918175-C-T.
Other names: c.2492C>T, p.Ala831Val (NM_001256849.1); c.2570C>T, p.Ala857Val (NM_001308632.1); short protein forms A831V, A857V.
Identifiers: ClinVar variation 2884701 (VCV002884701.4), dbSNP rs2122466436, ClinGen allele CA406985114.